The following is an entry in ClinVar:

NM_000257.4(MYH7):c.5065C>T (p.Arg1689Cys)

Genes: MHRT (myosin heavy chain associated RNA transcript; plus strand), MYH7 (myosin heavy chain 7; minus strand), LOC126861897 (BRD4-independent group 4 enhancer GRCh37_chr14:23884455-23885654; plus strand). Cytogenetic location: 14q11.2.
Variant type: single nucleotide variant.
Coding change: c.5065C>T on transcript NM_000257.4 (MANE Select); coding-DNA position 5065, C replaced by T.
Protein change: p.Arg1689Cys; replaces arginine 1689 with cysteine.
Molecular consequence: missense variant. On other transcripts: non-coding transcript variant (1).
Genome position (GRCh38, 1-based): chr14:23,415,721, G>A on the plus strand (C>T on the coding strand, the complement: MYH7 is on the minus strand). VCF-style: chr14-23415721-G-A. GRCh37 (hg19) VCF-style: chr14-23884930-G-A.
Other names: p.R1689C:CGT>TGT; c.5065C>T (LRG_384t1); short protein forms R1689C.
Identifiers: ClinVar variation 181394 (VCV000181394.21), dbSNP rs730880915, ClinGen allele CA015628.

ClinVar aggregate classification (germline): Uncertain significance. Review status: criteria provided, multiple submitters, no conflicts (2 of 4 stars). 8 submissions from 8 submitters: Uncertain significance (8). Last evaluated 2026-01-06.

Conditions:
MYH7-related disorder. Also called: MYH7-related condition; MYH7-related disease; MYH7-related disorders.
Myopathy, myosin storage, autosomal recessive (CMYO7B). Also called: CONGENITAL MYOPATHY 7B, MYOSIN STORAGE, AUTOSOMAL RECESSIVE. Identifiers: Orphanet 636970, MedGen C1850709, MONDO:0009708, OMIM 255160.
Dilated cardiomyopathy 1S (CMD1S). Identifiers: Orphanet 154, Orphanet 54260, MedGen C1834481, MONDO:0013262, OMIM 613426.
Hypertrophic cardiomyopathy 1 (CMH1). Also called: MYH7-Related Familial Hypertrophic Cardiomyopathy; Familial hypertrophic cardiomyopathy 1. Identifiers: MedGen C3495498, MONDO:0008647, OMIM 192600.
MYH7-related skeletal myopathy. Also called: Myopathy, distal, 1; Laing distal myopathy; Laing early-onset distal myopathy; MYOPATHY, DISTAL, EARLY-ONSET, AUTOSOMAL DOMINANT; MYOPATHY, LATE DISTAL HEREDITARY. Identifiers: Orphanet 59135, MedGen C4552004, MONDO:0008050, OMIM 160500.
Myosin storage myopathy (CMYO7A). Also called: MYH7-related late-onset scapuloperoneal muscular dystrophy; Congenital myopathy 7A, myosin storage, autosomal dominant; MYOPATHY, HYALINE BODY, AUTOSOMAL DOMINANT; SCAPULOPERONEAL MUSCULAR DYSTROPHY; SCAPULOPERONEAL SYNDROME, MYOPATHIC TYPE; Scapuloperoneal myopathy, MYH7-related. Identifiers: Orphanet 437572, Orphanet 636965, MedGen C1842160, MONDO:0008409, OMIM 608358.
Congenital myopathy with fiber type disproportion. Also called: Congenital fiber-type disproportion myopathy; Congenital fiber-type disproportion. Identifiers: Orphanet 2020, MedGen C0546264, MONDO:0009711. Inheritance: all.
Cardiovascular phenotype. Identifiers: MedGen CN230736.
Cardiomyopathy (CMYO). Also called: Cardiomyopathies. Identifiers: Orphanet 167848, MedGen C0878544, MONDO:0004994, HP:0001638. Inheritance: Various modes of inheritance.
Hypertrophic cardiomyopathy. Also called: HYPERTROPHIC MYOCARDIOPATHY. Identifiers: Orphanet 217569, MedGen C0007194, MeSH D002312, MONDO:0005045, HP:0001639.

Allele frequency attached by ClinVar (database versions not stated): gnomAD 0.00001; TOPMed 0.00001.
gnomAD v4.1: 34 of 1,614,008 alleles (0.0021%); highest among the groups gnomAD compares: Non-Finnish European, 0.0028%; no homozygotes.

Submissions (8):

PreventionGenetics, part of Exact Sciences
Classification: Uncertain significance for MYH7-related condition. Last evaluated: 2026-01-06. Review status: criteria provided, single submitter. Criteria: ACMG Guidelines, 2015. Collection method: clinical testing. Allele origin: germline.
Comment: The MYH7 c.5065C>T variant is predicted to result in the amino acid substitution p.Arg1689Cys. This variant has been reported as a variant of uncertain significance in an individual with hypertrophic cardiomyopathy (Harper et al. 2020. PubMed ID: 32163302). This variant is reported in 0.0047% of alleles in individuals of European (Non-Finnish) descent in gnomAD. At this time, the clinical significance of this variant is uncertain due to the absence of conclusive functional and genetic evidence.

Labcorp Genetics (formerly Invitae), Labcorp
Classification: Uncertain significance for Hypertrophic cardiomyopathy. Last evaluated: 2025-09-15. Review status: criteria provided, single submitter. Criteria: Invitae Variant Classification Sherloc (09022015). Collection method: clinical testing. Allele origin: germline.
Comment: This sequence change replaces arginine, which is basic and polar, with cysteine, which is neutral and slightly polar, at codon 1689 of the MYH7 protein (p.Arg1689Cys). This variant is present in population databases (rs730880915, gnomAD 0.004%). This variant has not been reported in the literature in individuals affected with MYH7-related conditions. ClinVar contains an entry for this variant (Variation ID: 181394). Invitae Evidence Modeling of protein sequence and biophysical properties (such as structural, functional, and spatial information, amino acid conservation, physicochemical variation, residue mobility, and thermodynamic stability) indicates that this missense variant is expected to disrupt MYH7 protein function with a positive predictive value of 95%. In summary, the available evidence is currently insufficient to determine the role of this variant in disease. Therefore, it has been classified as a Variant of Uncertain Significance.

GeneDx
Classification: Uncertain significance. Last evaluated: 2025-02-25. Review status: criteria provided, single submitter. Criteria: GeneDx Variant Classification Process June 2021. Collection method: clinical testing. Allele origin: germline. Affected: yes.
Comment: Reported as a variant of uncertain significance in an individual with HCM (PMID: 32163302); In silico analysis supports that this missense variant has a deleterious effect on protein structure/function; This variant is associated with the following publications: (PMID: 33495597, 32163302)

All of Us Research Program, National Institutes of Health
Classification: Uncertain significance for Cardiomyopathy. Last evaluated: 2024-08-13. Review status: criteria provided, single submitter. Criteria: ACMG Guidelines, 2015. Collection method: clinical testing. Allele origin: germline. Inheritance: Autosomal dominant inheritance. Observed: 3 variant alleles, 3 heterozygotes.
Comment: This missense variant replaces arginine with cysteine at codon 1689 of the MYH7 protein. Computational prediction suggests that this variant may have a deleterious impact on protein structure and function (internally defined REVEL score threshold >= 0.7, PMID: 27666373). To our knowledge, functional studies have not been reported for this variant. This variant has been reported in an individual affected with hypertrophic cardiomyopathy (PMID: 32163302, 33495597). This variant has been identified in 6/282678 chromosomes in the general population by the Genome Aggregation Database (gnomAD). The available evidence is insufficient to determine the role of this variant in disease conclusively. Therefore, this variant is classified as a Variant of Uncertain Significance.

This study involves interpretation of variants in research participants for the purpose of population health screening. Participant phenotype was not available at the time of variant classification. Additional details can be found in publication PMID: 35346344, PMCID: PMC8962531

Color Diagnostics, LLC DBA Color Health
Classification: Uncertain significance for Cardiomyopathy. Last evaluated: 2024-07-25. Review status: criteria provided, single submitter. Criteria: ACMG Guidelines, 2015. Collection method: clinical testing. Allele origin: germline.
Comment: This missense variant replaces arginine with cysteine at codon 1689 of the MYH7 protein. Computational prediction tools indicate that this variant has a deleterious impact on protein structure and function. To our knowledge, functional studies have not been reported for this variant. This variant has been reported in an individual affected with hypertrophic cardiomyopathy (PMID: 32163302, 33495597). This variant has been identified in 6/282678 chromosomes in the general population by the Genome Aggregation Database (gnomAD). The available evidence is insufficient to determine the role of this variant in disease conclusively. Therefore, this variant is classified as a Variant of Uncertain Significance.

Women's Health and Genetics/Laboratory Corporation of America, LabCorp
Classification: Uncertain significance. Last evaluated: 2024-04-26. Review status: criteria provided, single submitter. Criteria: LabCorp Variant Classification Summary - May 2015. Collection method: clinical testing. Allele origin: germline.
Comment: Variant summary: MYH7 c.5065C>T (p.Arg1689Cys) results in a non-conservative amino acid change located in the Myosin tail domain (IPR002928) of the encoded protein sequence. Five of five in-silico tools predict a damaging effect of the variant on protein function. The variant allele was found at a frequency of 2e-05 in 251312 control chromosomes. The available data on variant occurrences in the general population are insufficient to allow any conclusion about variant significance. c.5065C>T has been reported in the literature as a VUS in an individual affected with hypertrophic cardiomyopathy who carried an additional MYBPC3 variant (e.g. Harper_2020). This report does not provide unequivocal conclusions about association of the variant with Cardiomyopathy. To our knowledge, no experimental evidence demonstrating an impact on protein function has been reported. The following publication has been ascertained in the context of this evaluation (PMID: 32163302). ClinVar contains an entry for this variant (Variation ID: 181394). Based on the evidence outlined above, the variant was classified as uncertain significance.

Ambry Genetics
Classification: Uncertain significance for Cardiovascular phenotype. Last evaluated: 2023-08-18. Review status: criteria provided, single submitter. Criteria: Ambry Variant Classification Scheme 2023. Collection method: clinical testing. Allele origin: germline.
Comment: The p.R1689C variant (also known as c.5065C>T), located in coding exon 33 of the MYH7 gene, results from a C to T substitution at nucleotide position 5065. The arginine at codon 1689 is replaced by cysteine, an amino acid with highly dissimilar properties. This variant co-occurred with an MYBPC3 variant in an individual from a hypertrophic cardiomyopathy cohort (Harper AR et al. Circ Genom Precis Med, 2020 Jun;13:e002783). This amino acid position is highly conserved in available vertebrate species. In addition, this alteration is predicted to be deleterious by in silico analysis. Since supporting evidence is limited at this time, the clinical significance of this alteration remains unclear.

Fulgent Genetics
Classification: Uncertain significance for MYH7-related skeletal myopathy; Myosin storage myopathy; Hypertrophic cardiomyopathy 1; Myopathy, myosin storage, autosomal recessive; Congenital myopathy 4A, autosomal dominant; Dilated cardiomyopathy 1S. Last evaluated: 2022-02-02. Review status: criteria provided, single submitter. Criteria: ACMG Guidelines, 2015. Collection method: clinical testing. Allele origin: unknown.

Literature cited by the submitters: PubMed 32163302 (cited by 4 submitters); PubMed 33495597 (cited by 3 submitters).